The following is an entry in ClinVar:

NM_001363.5(DKC1):c.421C>A (p.Arg141Ser)

Gene: DKC1 (dyskerin pseudouridine synthase 1; plus strand). Cytogenetic location: Xq28.
Variant type: single nucleotide variant.
Coding change: c.421C>A on transcript NM_001363.5 (MANE Select); coding-DNA position 421, C replaced by A.
Protein change: p.Arg141Ser; replaces arginine 141 with serine.
Molecular consequence: missense variant. On other transcripts: non-coding transcript variant (3).
Genome position (GRCh38, 1-based): chrX:154,766,373, C>A. VCF-style: chrX-154766373-C-A. GRCh37 (hg19) VCF-style: chrX-153994648-C-A.
Other names: c.421C>A, p.Arg141Ser (NM_001142463.3, NM_001288747.2); short protein forms R141S.
Identifiers: ClinVar variation 2123933 (VCV002123933.4), dbSNP rs1486992777, ClinGen allele CA414889873.

ClinVar aggregate classification (germline): Uncertain significance (1 of 4 stars; one submission).

Conditions:
Dyskeratosis congenita. Identifiers: Orphanet 1775, MedGen C0265965, MONDO:0015780.

Submission:

Labcorp Genetics (formerly Invitae), Labcorp
Classification: Uncertain significance for Dyskeratosis congenita. Last evaluated: 2022-04-09. Review status: criteria provided, single submitter. Criteria: Invitae Variant Classification Sherloc (09022015). Collection method: clinical testing. Allele origin: germline.
Comment: In summary, the available evidence is currently insufficient to determine the role of this variant in disease. Therefore, it has been classified as a Variant of Uncertain Significance. Algorithms developed to predict the effect of sequence changes on RNA splicing suggest that this variant may create or strengthen a splice site. This sequence change replaces arginine, which is basic and polar, with serine, which is neutral and polar, at codon 141 of the DKC1 protein (p.Arg141Ser). This variant is not present in population databases (gnomAD no frequency). This variant has not been reported in the literature in individuals affected with DKC1-related conditions. Algorithms developed to predict the effect of missense changes on protein structure and function are either unavailable or do not agree on the potential impact of this missense change (SIFT: "Deleterious"; PolyPhen-2: "Probably Damaging"; Align-GVGD: "Class C0").